The following is an entry in ClinVar:

NM_000313.4(PROS1):c.1352G>A (p.Arg451Gln)

Gene: PROS1 (protein S; minus strand). Cytogenetic location: 3q11.1.
Variant type: single nucleotide variant.
Coding change: c.1352G>A on transcript NM_000313.4 (MANE Select); coding-DNA position 1352, G replaced by A.
Protein change: p.Arg451Gln; replaces arginine 451 with glutamine.
Molecular consequence: missense variant.
Genome position (GRCh38, 1-based): chr3:93,884,868, C>T on the plus strand (G>A on the coding strand, the complement: PROS1 is on the minus strand). VCF-style: chr3-93884868-C-T. GRCh37 (hg19) VCF-style: chr3-93603712-C-T.
Other names: c.1448G>A, p.Arg483Gln (NM_001314077.2); short protein forms R451Q, R483Q.
Identifiers: ClinVar variation 2729314 (VCV002729314.1), dbSNP rs571772261, ClinGen allele CA2503201.

ClinVar aggregate classification (germline): Uncertain significance (1 of 4 stars; one submission).

Conditions:
Thrombophilia due to protein S deficiency, autosomal recessive (THPH6). Identifiers: Orphanet 743, MedGen C3281092, MONDO:0013791, OMIM 614514. Disease mechanism: loss of function.

Allele frequency attached by ClinVar (database versions not stated): gnomAD exomes 0.00002; TOPMed 0.00002; gnomAD 0.00003; ExAC 0.00004; 1000 Genomes Project 30x 0.00016; 1000 Genomes Project 0.00020.
gnomAD v4.1: 33 of 1,613,084 alleles (0.002%); highest among the groups gnomAD compares: Admixed American, 0.018%; no homozygotes.

Submission:

Labcorp Genetics (formerly Invitae), Labcorp
Classification: Uncertain significance for Thrombophilia due to protein S deficiency, autosomal recessive. Last evaluated: 2023-12-10. Review status: criteria provided, single submitter. Criteria: Invitae Variant Classification Sherloc (09022015). Collection method: clinical testing. Allele origin: germline.
Comment: This sequence change replaces arginine, which is basic and polar, with glutamine, which is neutral and polar, at codon 451 of the PROS1 protein (p.Arg451Gln). This variant is present in population databases (rs571772261, gnomAD 0.03%). This missense change has been observed in individual(s) with protein S deficiency disease (PMID: 28088608). Advanced modeling of protein sequence and biophysical properties (such as structural, functional, and spatial information, amino acid conservation, physicochemical variation, residue mobility, and thermodynamic stability) has been performed at Invitae for this missense variant, however the output from this modeling did not meet the statistical confidence thresholds required to predict the impact of this variant on PROS1 protein function. Experimental studies have shown that this missense change affects PROS1 function (PMID: 28088608). In summary, the available evidence is currently insufficient to determine the role of this variant in disease. Therefore, it has been classified as a Variant of Uncertain Significance.

Literature cited by the submitters: PubMed 28088608.